The following is an entry in ClinVar:

ClinVar aggregate classification (germline): Conflicting classifications of pathogenicity. Review status: criteria provided, conflicting classifications (1 of 4 stars). 4 submissions from 4 submitters: Uncertain significance (2); Likely benign (2). Last evaluated 2026-10-23.

Conditions:
Charcot-Marie-Tooth disease recessive intermediate C. Also called: CHARCOT-MARIE-TOOTH NEUROPATHY, RECESSIVE INTERMEDIATE C. Identifiers: Orphanet 369867, MedGen C3809309, MONDO:0014154, OMIM 615376.
Neuronopathy, distal hereditary motor, autosomal recessive 4. Also called: Autosomal recessive lower motor neuron disease with childhood onset; NEUROPATHY, DISTAL HEREDITARY MOTOR, AUTOSOMAL RECESSIVE 4. Identifiers: Orphanet 206580, MedGen C1970211, MONDO:0012608, OMIM 611067.
PLEKHG5-related disorder. Also called: PLEKHG5-related condition.

Allele frequency attached by ClinVar (database versions not stated): TOPMed 0.00002; ExAC 0.00029; 1000 Genomes Project 0.00040; gnomAD 0.00002; gnomAD exomes 0.00027; 1000 Genomes Project 30x 0.00047.
gnomAD v4.1: 205 of 1,611,480 alleles (0.013%); highest among the groups gnomAD compares: South Asian, 0.17%; 3 homozygotes.

Submissions (4):

GeneDx
Classification: Uncertain significance. Last evaluated: 2026-10-23. Review status: criteria provided, single submitter. Criteria: GeneDx Variant Classification Process June 2021. Collection method: clinical testing. Allele origin: germline.
Comment: In silico analysis supports that this missense variant has a deleterious effect on protein structure/function; Has not been previously published as pathogenic or benign to our knowledge

PreventionGenetics, part of Exact Sciences
Classification: Likely benign for PLEKHG5-related condition. Last evaluated: 2026-06-23. Review status: criteria provided, single submitter. Criteria: ACMG Guidelines, 2015. Collection method: clinical testing. Allele origin: germline.
Comment: This variant is classified as likely benign based on ACMG/AMP sequence variant interpretation guidelines (Richards et al. 2015 PMID: 25741868, with internal and published modifications).

Labcorp Genetics (formerly Invitae), Labcorp
Classification: Likely benign for Neuronopathy, distal hereditary motor, autosomal recessive 4; Charcot-Marie-Tooth disease recessive intermediate C. Last evaluated: 2026-01-20. Review status: criteria provided, single submitter. Criteria: Invitae Variant Classification Sherloc (09022015). Collection method: clinical testing. Allele origin: germline.

Eurofins Ntd Llc (ga)
Classification: Uncertain significance. Last evaluated: 2016-08-04. Review status: criteria provided, single submitter. Criteria: EGL Classification Definitions 2015. Collection method: clinical testing. Allele origin: germline. Observed: 1 variant allele, 1 heterozygote.

NM_020631.6(PLEKHG5):c.2431C>T (p.Arg811Cys)

Gene: PLEKHG5 (pleckstrin homology and RhoGEF domain containing G5; minus strand). Cytogenetic location: 1p36.31.
Variant type: single nucleotide variant.
Coding change: c.2431C>T on transcript NM_020631.6 (MANE Select); coding-DNA position 2431, C replaced by T.
Protein change: p.Arg811Cys; replaces arginine 811 with cysteine.
Molecular consequence: missense variant.
Genome position (GRCh38, 1-based): chr1:6,468,405, G>A on the plus strand (C>T on the coding strand, the complement: PLEKHG5 is on the minus strand). VCF-style: chr1-6468405-G-A. GRCh37 (hg19) VCF-style: chr1-6528465-G-A.
Other names: c.2542C>T, p.Arg848Cys (NM_001042663.3, NM_001265592.2); c.2431C>T, p.Arg811Cys (NM_001042664.2, NM_001042665.2, NM_001265594.3 and 1 more transcripts); c.2638C>T, p.Arg880Cys (NM_001265593.2); short protein forms R811C, R880C, R848C.
Identifiers: ClinVar variation 290013 (VCV000290013.21), dbSNP rs538561788, ClinGen allele CA561159.